The following is an entry in ClinVar:

NM_001430.5(EPAS1):c.103T>C (p.Tyr35His)

Gene: EPAS1 (endothelial PAS domain protein 1; plus strand). Cytogenetic location: 2p21.
Variant type: single nucleotide variant.
Coding change: c.103T>C on transcript NM_001430.5 (MANE Select); coding-DNA position 103, T replaced by C.
Protein change: p.Tyr35His; replaces tyrosine 35 with histidine.
Molecular consequence: missense variant.
Genome position (GRCh38, 1-based): chr2:46,346,949, T>C. VCF-style: chr2-46346949-T-C. GRCh37 (hg19) VCF-style: chr2-46574088-T-C.
Other names: short protein forms Y35H.
Identifiers: ClinVar variation 1773819 (VCV001773819.2), dbSNP rs2546439870, ClinGen allele CA346697034.
Genomic context (GRCh38, chr2:46,346,949, plus strand): 5'-AGGAAGGAGAAGTCCCGGGATGCTGCGCGGTGCCGGCGGAGCAAGGAGACGGAGGTGTTC[T>C]ATGAGCTGGCCCATGAGCTGCCTCTGCCCCACAGTGTGAGCTCCCATCTGGACAAGGCCT-3'
Protein context (NP_001421.2, residues 25-45): CRRSKETEVF[Tyr35His]ELAHELPLPH

ClinVar aggregate classification (germline): Uncertain significance (1 of 4 stars; one submission).

Conditions:
Inborn genetic diseases. Identifiers: MedGen C0950123, MeSH D030342.

Submission:

Ambry Genetics
Classification: Uncertain significance for Inborn genetic diseases. Last evaluated: 2022-05-17. Review status: criteria provided, single submitter. Criteria: Ambry Variant Classification Scheme 2023. Collection method: clinical testing. Allele origin: germline.
Comment: The p.Y35H variant (also known as c.103T>C), located in coding exon 2 of the EPAS1 gene, results from a T to C substitution at nucleotide position 103. The tyrosine at codon 35 is replaced by histidine, an amino acid with similar properties. This amino acid position is conserved. In addition, this alteration is predicted to be tolerated by in silico analysis. Since supporting evidence is limited at this time, the clinical significance of this alteration remains unclear.